The following is an entry in ClinVar:

NM_138694.4(PKHD1):c.10774C>T (p.Gln3592Ter)

Gene: PKHD1 (PKHD1 ciliary IPT domain containing fibrocystin/polyductin; minus strand). Cytogenetic location: 6p12.3.
Variant type: single nucleotide variant.
Coding change: c.10774C>T on transcript NM_138694.4 (MANE Select); coding-DNA position 10774, C replaced by T.
Protein change: p.Gln3592Ter; replaces glutamine 3592 with a stop codon.
Molecular consequence: nonsense.
Genome position (GRCh38, 1-based): chr6:51,659,352, G>A on the plus strand (C>T on the coding strand, the complement: PKHD1 is on the minus strand). VCF-style: chr6-51659352-G-A. GRCh37 (hg19) VCF-style: chr6-51524150-G-A.
Other names: c.10774C>T (NM_138694.3); short protein forms Q3592*.
Identifiers: ClinVar variation 3019706 (VCV003019706.4), dbSNP rs1454977903, ClinGen allele CA364432236.

ClinVar aggregate classification (germline): Pathogenic/Likely pathogenic. Review status: criteria provided, multiple submitters, no conflicts (2 of 4 stars). 2 submissions from 2 submitters: Pathogenic (1); Likely pathogenic (1). Last evaluated 2025-08-13.

Conditions:
Autosomal recessive polycystic kidney disease (ARPKD). Also called: AR polycystic kidney disease. Identifiers: Orphanet 731, Orphanet 8378, MedGen C0085548, MeSH D017044, MONDO:0009889.

Allele frequency attached by ClinVar (database versions not stated): gnomAD 0.00001; TOPMed 0.00001.
gnomAD v4.1: 1 of 1,613,580 alleles (0.000062%); highest among the groups gnomAD compares: African/African-American, 0.0013%; no homozygotes.

Submissions (2):

Natera, Inc.
Classification: Likely pathogenic for Autosomal recessive polycystic kidney disease. Last evaluated: 2025-08-13. Review status: criteria provided, single submitter. Criteria: Natera Variant Classification Schema (03/2026). Collection method: clinical testing. Allele origin: germline.
Comment: The c.10774C>T variant in PKHD1 is a nonsense variant predicted to introduce a stop codon at amino acid 3592. This variant is expected to result in nonsense mediated decay, truncation, or a dysfunctional protein product. This variant is rare in the general population with a frequency below the threshold expected for the associated phenotype(s). Given the available evidence, this variant is classified as Likely Pathogenic.

Labcorp Genetics (formerly Invitae), Labcorp
Classification: Pathogenic for Autosomal recessive polycystic kidney disease. Last evaluated: 2022-12-03. Review status: criteria provided, single submitter. Criteria: Invitae Variant Classification Sherloc (09022015). Collection method: clinical testing. Allele origin: germline.
Comment: For these reasons, this variant has been classified as Pathogenic. This variant has not been reported in the literature in individuals affected with PKHD1-related conditions. This variant is not present in population databases (gnomAD no frequency). This sequence change creates a premature translational stop signal (p.Gln3592*) in the PKHD1 gene. It is expected to result in an absent or disrupted protein product. Loss-of-function variants in PKHD1 are known to be pathogenic (PMID: 19940839).

Literature cited by the submitters: PubMed 19940839 (cited by Labcorp Genetics (formerly Invitae), Labcorp).